The following is an entry in ClinVar:

NM_000051.4(ATM):c.142G>T (p.Asp48Tyr)

Gene: ATM (ATM serine/threonine kinase; plus strand). Cytogenetic location: 11q22.3.
Variant type: single nucleotide variant.
Coding change: c.142G>T on transcript NM_000051.4 (MANE Select); coding-DNA position 142, G replaced by T.
Protein change: p.Asp48Tyr; replaces aspartic acid 48 with tyrosine.
Molecular consequence: missense variant.
Genome position (GRCh38, 1-based): chr11:108,227,845, G>T. VCF-style: chr11-108227845-G-T. GRCh37 (hg19) VCF-style: chr11-108098572-G-T.
Other names: c.142G>T, p.Asp48Tyr (NM_001351834.2, NM_001351835.2, NM_001351836.2); short protein forms D48Y.
Identifiers: ClinVar variation 1772476 (VCV001772476.2), dbSNP rs2135013650, ClinGen allele CA382520111.

ClinVar aggregate classification (germline): Uncertain significance (1 of 4 stars; one submission).

Conditions:
Hereditary cancer-predisposing syndrome. Also called: Hereditary Cancer Syndrome; Hereditary neoplastic syndrome; Neoplastic Syndromes, Hereditary; Tumor predisposition. Identifiers: Orphanet 140162, MedGen C0027672, MeSH D009386, MONDO:0015356.

Submission:

Ambry Genetics
Classification: Uncertain significance for Hereditary cancer-predisposing syndrome. Last evaluated: 2020-04-22. Review status: criteria provided, single submitter. Criteria: Ambry Variant Classification Scheme 2023. Collection method: clinical testing. Allele origin: germline.
Comment: The p.D48Y variant (also known as c.142G>T), located in coding exon 2 of the ATM gene, results from a G to T substitution at nucleotide position 142. The aspartic acid at codon 48 is replaced by tyrosine, an amino acid with highly dissimilar properties. This amino acid position is well conserved in available vertebrate species. In addition, this alteration is predicted to be tolerated by in silico analysis. Since supporting evidence is limited at this time, the clinical significance of this alteration remains unclear.